The following is an entry in ClinVar:

NM_004036.5(ADCY3):c.1805+2T>C

Gene: ADCY3 (adenylate cyclase 3; minus strand). Cytogenetic location: 2p23.3.
Variant type: single nucleotide variant.
Coding change: c.1805+2T>C on transcript NM_004036.5 (MANE Select); the canonical splice donor site of the intron after coding-DNA position 1805, T replaced by C.
Molecular consequence: splice donor variant.
Genome position (GRCh38, 1-based): chr2:24,834,792, A>G on the plus strand (T>C on the coding strand, the complement: ADCY3 is on the minus strand). VCF-style: chr2-24834792-A-G. GRCh37 (hg19) VCF-style: chr2-25057661-A-G.
Other names: c.1805+2T>C (NM_001377130.1, NM_001377129.1, NM_001320613.2 and 1 more transcripts); c.1871+2T>C (NM_001377128.1); c.1082+2T>C (NM_001377131.1).
Identifiers: ClinVar variation 3391532 (VCV003391532.2).

ClinVar aggregate classification (germline): Likely pathogenic (1 of 4 stars; one submission).

gnomAD v4.1: 3 of 1,612,288 alleles (0.00019%); highest among the groups gnomAD compares: Admixed American, 0.0033%; no homozygotes.

Submission:

GeneDx
Classification: Likely pathogenic. Last evaluated: 2025-11-24. Review status: criteria provided, single submitter. Criteria: GeneDx Variant Classification Process June 2021. Collection method: clinical testing. Allele origin: germline.
Comment: Has not been previously published as pathogenic or benign to our knowledge; Canonical splice site variant predicted to result in a null allele in a gene for which loss of function is a known mechanism of disease; Not observed at significant frequency in large population cohorts (gnomAD)